The following is an entry in ClinVar:

NM_004984.4(KIF5A):c.286A>T (p.Met96Leu)

Gene: KIF5A (kinesin family member 5A; plus strand). Cytogenetic location: 12q13.3.
Variant type: single nucleotide variant.
Coding change: c.286A>T on transcript NM_004984.4 (MANE Select); coding-DNA position 286, A replaced by T.
Protein change: p.Met96Leu; replaces methionine 96 with leucine.
Molecular consequence: missense variant. On other transcripts: intron variant (1).
Genome position (GRCh38, 1-based): chr12:57,563,688, A>T. VCF-style: chr12-57563688-A-T. GRCh37 (hg19) VCF-style: chr12-57957471-A-T.
Other names: c.130-772A>T (NM_001354705.2); short protein forms M96L.
Identifiers: ClinVar variation 4772000 (VCV004772000.1).

ClinVar aggregate classification (germline): Uncertain significance (1 of 4 stars; one submission).

Conditions:
Spastic paraplegia. Identifiers: MedGen C0037772, HP:0001258.

Submission:

Labcorp Genetics (formerly Invitae), Labcorp
Classification: Uncertain significance for Spastic paraplegia. Last evaluated: 2025-03-30. Review status: criteria provided, single submitter. Criteria: Invitae Variant Classification Sherloc (09022015). Collection method: clinical testing. Allele origin: germline.
Comment: This sequence change replaces methionine, which is neutral and non-polar, with leucine, which is neutral and non-polar, at codon 96 of the KIF5A protein (p.Met96Leu). This variant is not present in population databases (gnomAD no frequency). This missense change has been observed in individual(s) with clinical features of KIF5A-related conditions (PMID: 38465286). Invitae Evidence Modeling of protein sequence and biophysical properties (such as structural, functional, and spatial information, amino acid conservation, physicochemical variation, residue mobility, and thermodynamic stability) has been performed for this missense variant. However, the output from this modeling did not meet the statistical confidence thresholds required to predict the impact of this variant on KIF5A protein function. In summary, the available evidence is currently insufficient to determine the role of this variant in disease. Therefore, it has been classified as a Variant of Uncertain Significance.

Literature cited by the submitters: PubMed 38465286.